The following is an entry in ClinVar:

NM_012062.5(DNM1L):c.285C>T (p.His95=)

Gene: DNM1L (dynamin 1L; plus strand). Cytogenetic location: 12p11.21.
Variant type: single nucleotide variant.
Coding change: c.285C>T on transcript NM_012062.5 (MANE Select); coding-DNA position 285, C replaced by T.
Protein change: p.His95=; no amino-acid change (histidine 95 retained).
Molecular consequence: synonymous variant. On other transcripts: missense variant (1).
Genome position (GRCh38, 1-based): chr12:32,707,401, C>T. VCF-style: chr12-32707401-C-T. GRCh37 (hg19) VCF-style: chr12-32860335-C-T.
Other names: c.285C>T, p.His95= (NM_001278463.2, NM_005690.5, NM_012063.4); c.324C>T, p.His108= (NM_001278464.2, NM_001278465.2, NM_001330380.2); c.119C>T, p.Thr40Ile (NM_001278466.2); c.285C>T (NM_012062.4); short protein forms T40I.
Identifiers: ClinVar variation 1529600 (VCV001529600.12), dbSNP rs374173514, ClinGen allele CA6507293.
Genomic context (GRCh38, chr12:32,707,401, plus strand): 5'-AATAAATGAGTTTTTCTTTTTTCCAGGGGTGGAAGCAGAAGAATGGGGTAAATTTCTTCA[C>T]ACCAAAAATAAGGTAATCACACATGCATATAATGAAGAAATAATGTTGAAAAAAATATAT-3'
Protein context (NP_036192.2, residues 85-105): VEAEEWGKFL[His95=]TKNKLYTDFD

ClinVar aggregate classification (germline): Conflicting classifications of pathogenicity. Review status: criteria provided, conflicting classifications (1 of 4 stars). 3 submissions from 3 submitters: Uncertain significance (1); Likely benign (2). Last evaluated 2026-01-29.

Conditions:
DNM1L-related disorder. Also called: DNM1L-related condition.

Allele frequency attached by ClinVar (database versions not stated): gnomAD exomes 0.00001 and 0.00003; ExAC 0.00002; ESP Exome Variant Server 0.00008; gnomAD 0.00014 and 0.00015; 1000 Genomes Project 30x 0.00016; TOPMed 0.00018; 1000 Genomes Project 0.00020.
gnomAD v4.1: 40 of 1,603,612 alleles (0.0025%); highest among the groups gnomAD compares: African/African-American, 0.05%; no homozygotes.

Submissions (3):

PreventionGenetics, part of Exact Sciences
Classification: Likely benign for DNM1L-related condition. Last evaluated: 2026-01-29. Review status: criteria provided, single submitter. Criteria: ACMG Guidelines, 2015. Collection method: clinical testing. Allele origin: germline.
Comment: This variant is classified as likely benign based on ACMG/AMP sequence variant interpretation guidelines (Richards et al. 2015 PMID: 25741868, with internal and published modifications).

Labcorp Genetics (formerly Invitae), Labcorp
Classification: Likely benign. Last evaluated: 2025-12-16. Review status: criteria provided, single submitter. Criteria: Invitae Variant Classification Sherloc (09022015). Collection method: clinical testing. Allele origin: germline.

Laboratorio de Genetica e Diagnostico Molecular, Hospital Israelita Albert Einstein
Classification: Uncertain significance. Last evaluated: 2020-02-10. Review status: criteria provided, single submitter. Criteria: ACMG Guidelines, 2015. Collection method: clinical testing. Allele origin: germline. Affected: yes.
Comment: ACMG classification criteria: PM2, BP4